The following is an entry in ClinVar:

NM_001367721.1(CASK):c.1504-97G>A

Gene: CASK (calcium/calmodulin dependent serine protein kinase; minus strand). Cytogenetic location: Xp11.4.
Variant type: single nucleotide variant.
Coding change: c.1504-97G>A on transcript NM_001367721.1 (MANE Select); 97 bases into the intron before coding-DNA position 1504, G replaced by A.
Molecular consequence: intron variant.
Genome position (GRCh38, 1-based): chrX:41,569,843, C>T on the plus strand (G>A on the coding strand, the complement: CASK is on the minus strand). VCF-style: chrX-41569843-C-T. GRCh37 (hg19) VCF-style: chrX-41429096-C-T.
Other names: c.1486-97G>A (NM_001126055.3, NM_001410745.1); c.1504-97G>A (NM_001126054.3, NM_003688.4).
Identifiers: ClinVar variation 2581007 (VCV002581007.1), dbSNP rs2519797801, ClinGen allele CA2580618168.

ClinVar aggregate classification (germline): Likely benign (1 of 4 stars; one submission).

Conditions:
Syndromic X-linked intellectual disability Najm type (MICPCH). Also called: Intellectual Disability and Microcephaly with Pontine and Cerebellar Hypoplasia; Mental retardation and microcephaly with pontine and cerebellar hypoplasia; MENTAL RETARDATION, X-LINKED, SYNDROMIC, NAJM TYPE; Intellectual Disability and Microcephaly with Pontine and Cerebellar Hypoplasia (MICPCH); MICPCH SYNDROME; Intellectual developmental disorder and microcephaly with pontine and cerebellar hypoplasia. Identifiers: Orphanet 163937, MedGen C2677903, MONDO:0010417, OMIM 300749.

Allele frequency attached by ClinVar (database versions not stated): gnomAD exomes below 0.00001.
gnomAD v4.1: 1 of 536,088 alleles (0.00019%); highest among the groups gnomAD compares: Non-Finnish European, 0.00031%; no homozygotes.

Submission:

Dr. med. U. Finckh, Human Genetics, Eurofins MVZ
Classification: Likely benign for Syndromic X-linked intellectual disability Najm type. Last evaluated: 2021-07-29. Review status: criteria provided, single submitter. Criteria: ACMG Guidelines, 2015. Collection method: clinical testing. Allele origin: paternal. Affected: no. Observed: 2 heterozygotes.
Comment: The variant is not present in gnomAD. Splice prediction suggest the creation of a cryptic splice donor site. The variant thus is classified as likely benign.